The following is an entry in ClinVar:

ClinVar aggregate classification (germline): Likely benign. Review status: criteria provided, multiple submitters, no conflicts (2 of 4 stars). 2 submissions from 2 submitters: Likely benign (2). Last evaluated 2025-01-15.

Conditions:
PCNT-related disorder. Also called: PCNT-related condition.

gnomAD v4.1: 1 of 1,613,924 alleles (0.000062%); no homozygotes.

Submissions (2):

PreventionGenetics, part of Exact Sciences
Classification: Likely benign for PCNT-related condition. Last evaluated: 2025-01-15. Review status: criteria provided, single submitter. Criteria: ACMG Guidelines, 2015. Collection method: clinical testing. Allele origin: germline.
Comment: This variant is classified as likely benign based on ACMG/AMP sequence variant interpretation guidelines (Richards et al. 2015 PMID: 25741868, with internal and published modifications).

Labcorp Genetics (formerly Invitae), Labcorp
Classification: Likely benign. Last evaluated: 2023-08-04. Review status: criteria provided, single submitter. Criteria: Invitae Variant Classification Sherloc (09022015). Collection method: clinical testing. Allele origin: germline.

NM_006031.6(PCNT):c.640-4C>T

Gene: PCNT (pericentrin; plus strand). Cytogenetic location: 21q22.3.
Variant type: single nucleotide variant.
Coding change: c.640-4C>T on transcript NM_006031.6 (MANE Select); 4 bases into the intron before coding-DNA position 640, C replaced by T.
Molecular consequence: intron variant.
Genome position (GRCh38, 1-based): chr21:46,346,124, C>T. VCF-style: chr21-46346124-C-T. GRCh37 (hg19) VCF-style: chr21-47766038-C-T.
Other names: c.286-4C>T (NM_001315529.2); c.640-4C>T (NM_006031.5).
Identifiers: ClinVar variation 2029748 (VCV002029748.5), dbSNP rs2518050243, ClinGen allele CA2577633206.